The following is an entry in ClinVar:

NM_000135.4(FANCA):c.1737C>A (p.Tyr579Ter)

Gene: FANCA (FA complementation group A; minus strand). Cytogenetic location: 16q24.3.
Variant type: single nucleotide variant.
Coding change: c.1737C>A on transcript NM_000135.4 (MANE Select); coding-DNA position 1737, C replaced by A.
Protein change: p.Tyr579Ter; replaces tyrosine 579 with a stop codon.
Molecular consequence: nonsense.
Genome position (GRCh38, 1-based): chr16:89,778,982, G>T on the plus strand (C>A on the coding strand, the complement: FANCA is on the minus strand). VCF-style: chr16-89778982-G-T. GRCh37 (hg19) VCF-style: chr16-89845390-G-T.
Other names: c.1737C>A, p.Tyr579Ter (NM_001286167.3); short protein forms Y579*.
Identifiers: ClinVar variation 2124495 (VCV002124495.4), dbSNP rs529199293, ClinGen allele CA397454869.
Genomic context (GRCh38, chr16:89,778,982, plus strand): 5'-CTCATGGAGACGCATACTGACCACTCGAGGTGTGAGCAGGGCGGGGAGGAAGTGGGACAC[G>T]TAGTAAGGCCTCCTGAATATGCTGCAACACAGAGAAGCAGACAGTGCATCAGTCAGAGCA-3'

ClinVar aggregate classification (germline): Pathogenic (1 of 4 stars; one submission).

Conditions:
Fanconi anemia (FA). Also called: Fanconi's anemia. Identifiers: Orphanet 84, MedGen C0015625, MeSH D005199, MONDO:0019391.

Submission:

Labcorp Genetics (formerly Invitae), Labcorp
Classification: Pathogenic for Fanconi anemia. Last evaluated: 2023-09-08. Review status: criteria provided, single submitter. Criteria: Invitae Variant Classification Sherloc (09022015). Collection method: clinical testing. Allele origin: germline.
Comment: For these reasons, this variant has been classified as Pathogenic. Algorithms developed to predict the effect of sequence changes on RNA splicing suggest that this variant may disrupt the consensus splice site. ClinVar contains an entry for this variant (Variation ID: 2124495). This variant has not been reported in the literature in individuals affected with FANCA-related conditions. This variant is not present in population databases (gnomAD no frequency). This sequence change creates a premature translational stop signal (p.Tyr579*) in the FANCA gene. It is expected to result in an absent or disrupted protein product. Loss-of-function variants in FANCA are known to be pathogenic (PMID: 19367192).

Literature cited by the submitters: PubMed 19367192.